The following is an entry in ClinVar:

NM_001127208.3(TET2):c.464C>G (p.Ala155Gly)

Genes: TET2 (tet methylcytosine dioxygenase 2; plus strand), TET2-AS1 (TET2 antisense RNA 1; minus strand). Cytogenetic location: 4q24.
Variant type: single nucleotide variant.
Coding change: c.464C>G on transcript NM_001127208.3 (MANE Select); coding-DNA position 464, C replaced by G.
Protein change: p.Ala155Gly; replaces alanine 155 with glycine.
Molecular consequence: missense variant.
Genome position (GRCh38, 1-based): chr4:105,234,406, C>G. VCF-style: chr4-105234406-C-G. GRCh37 (hg19) VCF-style: chr4-106155563-C-G.
Other names: c.464C>G, p.Ala155Gly (NM_017628.4); short protein forms A155G.
Identifiers: ClinVar variation 5030776 (VCV005030776.1).
Genomic context (GRCh38, chr4:105,234,406, plus strand): 5'-AAAGCAGTCAACCAAATGTCTCCGATTTGAGTGATAAGAAAGAATCTGTGAGTTCTGTAG[C>G]CCAAGAAAATGCAGTTAAAGATTTCACCAGTTTTTCAACACATAACTGCAGTGGGCCTGA-3'
Protein context (NP_001120680.1, residues 145-165): SDKKESVSSV[Ala155Gly]QENAVKDFTS

ClinVar aggregate classification (germline): Uncertain significance (1 of 4 stars; one submission).

Submission:

Ambry Genetics
Classification: Uncertain significance. Last evaluated: 2026-09-02. Review status: criteria provided, single submitter. Criteria: Ambry Variant Classification Scheme 2023. Collection method: clinical testing. Allele origin: germline.
Comment: The p.A155G variant (also known as c.464C>G), located in coding exon 1 of the TET2 gene, results from a C to G substitution at nucleotide position 464. The alanine at codon 155 is replaced by glycine, an amino acid with similar properties. This amino acid position is conserved. In addition, this alteration is predicted to be tolerated by in silico analysis. Based on the available evidence, the clinical significance of this variant remains unclear.